The following is an entry in ClinVar:

NM_001267550.2(TTN):c.80269G>C (p.Val26757Leu)

Genes: TTN (titin; minus strand), TTN-AS1 (TTN antisense RNA 1; plus strand). Cytogenetic location: 2q31.2.
Variant type: single nucleotide variant.
Coding change: c.80269G>C on transcript NM_001267550.2 (MANE Select); coding-DNA position 80269, G replaced by C.
Protein change: p.Val26757Leu; replaces valine 26757 with leucine.
Molecular consequence: missense variant.
Genome position (GRCh38, 1-based): chr2:178,565,863, C>G on the plus strand (G>C on the coding strand, the complement: TTN is on the minus strand). VCF-style: chr2-178565863-C-G. GRCh37 (hg19) VCF-style: chr2-179430590-C-G.
Other names: c.75346G>C, p.Val25116Leu (NM_001256850.1); c.53074G>C, p.Val17692Leu (NM_003319.4); c.72565G>C, p.Val24189Leu (NM_133378.4); c.53449G>C, p.Val17817Leu (NM_133432.3); c.53650G>C, p.Val17884Leu (NM_133437.4); short protein forms V17692L, V17817L, V17884L, V24189L, V25116L, V26757L.
Identifiers: ClinVar variation 2630995 (VCV002630995.1), dbSNP rs1170675568, ClinGen allele CA349589776.
Genomic context (GRCh38, chr2:178,565,863, plus strand): 5'-CTTTCACGGCATCAACAGTTTCCACTGGAACACCAACTCCAAATTCATTTTCAGCCATGA[C>G]TCTGAAGTAATAAATGGCTCCTTCTGTAAGGTTTTCCACTTTAAAACTTGTTTTGCTGCA-3'
Protein context (NP_001254479.2, residues 26747-26767): LTEGAIYYFR[Val26757Leu]MAENEFGVGV

ClinVar aggregate classification (germline): Uncertain significance (1 of 4 stars; one submission).

Conditions:
TTN-related disorder. Also called: TTN-related condition; TTN-related disease; TTN-related disorders.

Allele frequency attached by ClinVar (database versions not stated): gnomAD exomes below 0.00001.
gnomAD v4.1: 4 of 1,613,644 alleles (0.00025%); highest among the groups gnomAD compares: Non-Finnish European, 0.00025%; no homozygotes.

Submission:

PreventionGenetics, part of Exact Sciences
Classification: Uncertain significance for TTN-related condition. Last evaluated: 2023-08-17. Review status: criteria provided, single submitter. Criteria: ACMG Guidelines, 2015. Collection method: clinical testing. Allele origin: germline.
Comment: The TTN c.80269G>C variant is predicted to result in the amino acid substitution p.Val26757Leu. To our knowledge, this variant has not been reported in the literature. This variant is reported in 0.0018% of alleles in individuals of European (Non-Finnish) descent in gnomAD. At this time, the clinical significance of this variant is uncertain due to the absence of conclusive functional and genetic evidence.